The following is an entry in ClinVar:

ClinVar aggregate classification (germline): Uncertain significance (1 of 4 stars; one submission).

Conditions:
Long QT syndrome (LQTS). Identifiers: MedGen C0023976, MeSH D008133, MONDO:0002442. Disease mechanism: loss of function. Inheritance: Various modes of inheritance.

Submission:

Labcorp Genetics (formerly Invitae), Labcorp
Classification: Uncertain significance for Long QT syndrome. Last evaluated: 2022-11-17. Review status: criteria provided, single submitter. Criteria: Invitae Variant Classification Sherloc (09022015). Collection method: clinical testing. Allele origin: germline.
Comment: In summary, the available evidence is currently insufficient to determine the role of this variant in disease. Therefore, it has been classified as a Variant of Uncertain Significance. Algorithms developed to predict the effect of missense changes on protein structure and function (SIFT, PolyPhen-2, Align-GVGD) all suggest that this variant is likely to be disruptive. This variant has not been reported in the literature in individuals affected with AKAP9-related conditions. This variant is not present in population databases (gnomAD no frequency). This sequence change replaces leucine, which is neutral and non-polar, with glutamine, which is neutral and polar, at codon 3316 of the AKAP9 protein (p.Leu3316Gln).

NM_005751.5(AKAP9):c.9947T>A (p.Leu3316Gln)

Gene: AKAP9 (A-kinase anchoring protein 9; plus strand). Cytogenetic location: 7q21.2.
Variant type: single nucleotide variant.
Coding change: c.9947T>A on transcript NM_005751.5 (MANE Select); coding-DNA position 9947, T replaced by A.
Protein change: p.Leu3316Gln; replaces leucine 3316 with glutamine.
Molecular consequence: missense variant.
Genome position (GRCh38, 1-based): chr7:92,096,906, T>A. VCF-style: chr7-92096906-T-A. GRCh37 (hg19) VCF-style: chr7-91726220-T-A.
Other names: c.4592T>A, p.Leu1531Gln (NM_001379277.1); c.9923T>A, p.Leu3308Gln (NM_147185.3); short protein forms L3308Q, L1531Q, L3316Q.
Identifiers: ClinVar variation 2814821 (VCV002814821.3), dbSNP rs2535299873, ClinGen allele CA368152192.
Genomic context (GRCh38, chr7:92,096,906, plus strand): 5'-TAGAGCTTCAGGTACTTCTTGAATCTGAGAAAGTTCGAATTCGGGAAATGAGTAGTACCC[T>A]AGATAGGGAGCGGGAATTGCACGCACAGCTGCAGAGCAGTGATGGTACTGGACAGTCTCG-3'
Protein context (NP_005742.4, residues 3306-3326): KVRIREMSST[Leu3316Gln]DRERELHAQL